The following is an entry in ClinVar:

ClinVar aggregate classification (germline): Benign (1 of 4 stars; one submission).

Allele frequency attached by ClinVar (database versions not stated): TOPMed 0.77308; gnomAD 0.77691 and 0.78280; 1000 Genomes Project 30x 0.83182; 1000 Genomes Project 0.83926.
gnomAD v4.1: 118,917 of 152,072 alleles (78%); highest among the groups gnomAD compares: East Asian, 94%; 46,715 homozygotes.

Submission:

GeneDx
Classification: Benign. Last evaluated: 2018-06-19. Review status: criteria provided, single submitter. Criteria: GeneDx Variant Classification (06012015). Collection method: clinical testing. Allele origin: germline. Affected: yes.
Comment: This variant is considered likely benign or benign based on one or more of the following criteria: it is a conservative change, it occurs at a poorly conserved position in the protein, it is predicted to be benign by multiple in silico algorithms, and/or has population frequency not consistent with disease.

NM_017780.4(CHD7):c.4186-225A>G

Gene: CHD7 (chromodomain helicase DNA binding protein 7; plus strand). Cytogenetic location: 8q12.2.
Variant type: single nucleotide variant.
Coding change: c.4186-225A>G on transcript NM_017780.4 (MANE Select); 225 bases into the intron before coding-DNA position 4186, A replaced by G.
Molecular consequence: intron variant.
Genome position (GRCh38, 1-based): chr8:60,837,443, A>G. VCF-style: chr8-60837443-A-G. GRCh37 (hg19) VCF-style: chr8-61750002-A-G.
Other names: c.1717-24786A>G (NM_001316690.1).
Identifiers: ClinVar variation 673327 (VCV000673327.1), dbSNP rs11986059, ClinGen allele CA12764100.
Genomic context (GRCh38, chr8:60,837,443, plus strand): 5'-GAGTGCCAGCAGAGTCAGGTTCTTGGTGAGGGCCCTCTTCCTGGTTTATGGACAGTTATC[A>G]TCTTGCTGTGTCCTCACCCAGCTTAAAGAGAGCCAGCTCTCTCGCCTCTTTATATGAGCA-3'